The following is an entry in ClinVar:

NM_014727.3(KMT2B):c.5073C>T (p.Gly1691=)

Gene: KMT2B (lysine methyltransferase 2B; plus strand). Cytogenetic location: 19q13.12.
Variant type: single nucleotide variant.
Coding change: c.5073C>T on transcript NM_014727.3 (MANE Select); coding-DNA position 5073, C replaced by T.
Protein change: p.Gly1691=; no amino-acid change (glycine 1691 retained).
Molecular consequence: synonymous variant.
Genome position (GRCh38, 1-based): chr19:35,730,122, C>T. VCF-style: chr19-35730122-C-T. GRCh37 (hg19) VCF-style: chr19-36221023-C-T.
Identifiers: ClinVar variation 1525972 (VCV001525972.4), dbSNP rs2146461810, ClinGen allele CA507072704.

ClinVar aggregate classification (germline): Conflicting classifications of pathogenicity. Review status: criteria provided, conflicting classifications (1 of 4 stars). 2 submissions from 2 submitters: Pathogenic (1); Uncertain significance (1). Last evaluated 2020-12-28.

Conditions:
Dystonia 28, childhood-onset (DYT28). Also called: KMT2B-Related Dystonia (DYT-KMT2B). Identifiers: Orphanet 589618, MedGen C4310633, MONDO:0015004, OMIM 617284.

Submissions (2):

Blueprint Genetics
Classification: Uncertain significance. Last evaluated: 2020-12-28. Review status: criteria provided, single submitter. Criteria: ACMG Guidelines, 2015. Collection method: clinical testing. Allele origin: germline.

Northcott Neuroscience Laboratory, ANZAC Research Institute
Classification: Pathogenic for Dystonia 28, childhood-onset. Review status: criteria provided, single submitter. Criteria: ACMG Guidelines, 2015. Collection method: clinical testing. Allele origin: de novo. Inheritance: Autosomal dominant inheritance. Affected: yes.
Comment: The c.5073C>T variant caused a novel splice donor site when assessed using a minigene assay, resulting in a premature termination codon (DOI 10.1002/mgg3.1923).

Literature cited by the submitters: DOI 10.1002/mgg3.1923 (cited by Northcott Neuroscience Laboratory, ANZAC Research Institute).